The following is an entry in ClinVar:

ClinVar aggregate classification (germline): Likely benign. Review status: criteria provided, multiple submitters, no conflicts (2 of 4 stars). 4 submissions from 4 submitters: Likely benign (4). Last evaluated 2024-04-06.

Conditions:
Cardiovascular phenotype. Identifiers: MedGen CN230736.
Hypercholesterolemia, familial, 4 (FHCL4). Also called: HYPERCHOLESTEROLEMIA, AUTOSOMAL RECESSIVE, 1; HYPERCHOLESTEROLEMIA, AUTOSOMAL RECESSIVE, 2. Identifiers: Orphanet 391665, MedGen C1863512, MONDO:0011374, OMIM 603813.

Allele frequency attached by ClinVar (database versions not stated): gnomAD 0.00001; ExAC 0.00004; TOPMed 0.00005; gnomAD exomes 0.00008.
gnomAD v4.1: 24 of 1,613,726 alleles (0.0015%); highest among the groups gnomAD compares: Admixed American, 0.035%; 1 homozygote.

Submissions (4):

Labcorp Genetics (formerly Invitae), Labcorp
Classification: Likely benign for Hypercholesterolemia, familial, 4. Last evaluated: 2024-04-06. Review status: criteria provided, single submitter. Criteria: Invitae Variant Classification Sherloc (09022015). Collection method: clinical testing. Allele origin: germline.

Genome-Nilou Lab
Classification: Likely benign for Hypercholesterolemia, familial, 4. Last evaluated: 2023-04-11. Review status: criteria provided, single submitter. Criteria: ACMG Guidelines, 2015. Collection method: clinical testing. Allele origin: germline. Affected: no.

GENinCode PLC
Classification: Likely benign for Hypercholesterolemia, familial, 4. Last evaluated: 2023-01-19. Review status: criteria provided, single submitter. Criteria: ACMG Guidelines, 2015. Collection method: clinical testing. Allele origin: germline.
Comment: This is a synonymous (silent) variant that is not predicted by SpliceAI to impact splicing. In addition, it occurs at a nucleotide that is not conserved. Therefore this variant has been classified as Likely Benign (BP4, BP7).

Ambry Genetics
Classification: Likely benign for Cardiovascular phenotype. Last evaluated: 2022-04-25. Review status: criteria provided, single submitter. Criteria: Ambry Variant Classification Scheme 2023. Collection method: clinical testing. Allele origin: germline.

NM_015627.3(LDLRAP1):c.330C>T (p.Asn110=)

Gene: LDLRAP1 (low density lipoprotein receptor adaptor protein 1; plus strand). Cytogenetic location: 1p36.11.
Variant type: single nucleotide variant.
Coding change: c.330C>T on transcript NM_015627.3 (MANE Select); coding-DNA position 330, C replaced by T.
Protein change: p.Asn110=; no amino-acid change (asparagine 110 retained).
Molecular consequence: synonymous variant.
Genome position (GRCh38, 1-based): chr1:25,554,958, C>T. VCF-style: chr1-25554958-C-T. GRCh37 (hg19) VCF-style: chr1-25881449-C-T.
Identifiers: ClinVar variation 697656 (VCV000697656.15), dbSNP rs778444752, ClinGen allele CA695500.